The following is an entry in ClinVar:

NM_001291415.2(KDM6A):c.319G>A (p.Glu107Lys)

Gene: KDM6A (lysine demethylase 6A; plus strand). Cytogenetic location: Xp11.3.
Variant type: single nucleotide variant.
Coding change: c.319G>A on transcript NM_001291415.2 (MANE Select); coding-DNA position 319, G replaced by A.
Protein change: p.Glu107Lys; replaces glutamic acid 107 with lysine.
Molecular consequence: missense variant. On other transcripts: 5 prime UTR variant (1), non-coding transcript variant (1).
Genome position (GRCh38, 1-based): chrX:44,961,377, G>A. VCF-style: chrX-44961377-G-A. GRCh37 (hg19) VCF-style: chrX-44820622-G-A.
Other names: c.319G>A, p.Glu107Lys (NM_001291416.2, NM_001291417.2, NM_001291418.2 and 9 more transcripts); c.-314G>A (NM_001291421.2); c.319G>A (NM_021140.3); short protein forms E107K.
Identifiers: ClinVar variation 2579844 (VCV002579844.3), dbSNP rs1201454112, ClinGen allele CA413021171.

ClinVar aggregate classification (germline): Uncertain significance. Review status: criteria provided, multiple submitters, no conflicts (2 of 4 stars). 3 submissions from 3 submitters: Uncertain significance (3). Last evaluated 2025-12-01.

Conditions:
KDM6A-related disorder. Also called: KDM6A-related condition.
Kabuki syndrome 2 (KABUK2). Also called: KDM6A-Related Kabuki Syndrome. Identifiers: Orphanet 2322, MedGen C3275495, MONDO:0010465, OMIM 300867.

Allele frequency attached by ClinVar (database versions not stated): gnomAD exomes below 0.00001; gnomAD 0.00001.
gnomAD v4.1: 3 of 1,153,840 alleles (0.00026%); highest among the groups gnomAD compares: African/African-American, 0.0018%; no homozygotes.

Submissions (3):

Labcorp Genetics (formerly Invitae), Labcorp
Classification: Uncertain significance for Kabuki syndrome 2. Last evaluated: 2025-12-01. Review status: criteria provided, single submitter. Criteria: Invitae Variant Classification Sherloc (09022015). Collection method: clinical testing. Allele origin: germline.
Comment: This sequence change replaces glutamic acid, which is acidic and polar, with lysine, which is basic and polar, at codon 107 of the KDM6A protein (p.Glu107Lys). This variant is present in population databases (no rsID available, gnomAD 0.02%). This variant has not been reported in the literature in individuals affected with KDM6A-related conditions. ClinVar contains an entry for this variant (Variation ID: 2579844). Invitae Evidence Modeling of protein sequence and biophysical properties (such as structural, functional, and spatial information, amino acid conservation, physicochemical variation, residue mobility, and thermodynamic stability) has been performed for this missense variant. However, the output from this modeling did not meet the statistical confidence thresholds required to predict the impact of this variant on KDM6A protein function. In summary, the available evidence is currently insufficient to determine the role of this variant in disease. Therefore, it has been classified as a Variant of Uncertain Significance.

PreventionGenetics, part of Exact Sciences
Classification: Uncertain significance for KDM6A-related condition. Last evaluated: 2025-11-09. Review status: criteria provided, single submitter. Criteria: ACMG Guidelines, 2015. Collection method: clinical testing. Allele origin: germline.
Comment: The KDM6A c.319G>A variant is predicted to result in the amino acid substitution p.Glu107Lys. To our knowledge, this variant has not been reported in the literature. This variant is reported in 0.017% of alleles in individuals of African descent in gnomAD. At this time, the clinical significance of this variant is uncertain due to the absence of conclusive functional and genetic evidence.

GeneDx
Classification: Uncertain significance. Last evaluated: 2023-03-14. Review status: criteria provided, single submitter. Criteria: GeneDx Variant Classification Process June 2021. Collection method: clinical testing. Allele origin: germline. Affected: yes.
Comment: In silico analysis supports that this missense variant has a deleterious effect on protein structure/function; Has not been previously published as pathogenic or benign to our knowledge